The following is an entry in ClinVar:

ClinVar aggregate classification (germline): Uncertain significance (1 of 4 stars; one submission).

Submission:

GeneDx
Classification: Uncertain significance. Last evaluated: 2019-09-05. Review status: criteria provided, single submitter. Criteria: GeneDx Variant Classification Process June 2021. Collection method: clinical testing. Allele origin: germline. Affected: yes.
Comment: Not observed in large population cohorts (Lek et al., 2016); In-frame deletion of 3 amino acids in a non-repeat region; Has not been previously published as pathogenic or benign to our knowledge

NM_001012614.2(CTBP1):c.133_141del (p.Ala45_Ser47del)

Gene: CTBP1 (C-terminal binding protein 1; minus strand). Cytogenetic location: 4p16.3.
Variant type: Deletion.
Coding change: c.133_141del on transcript NM_001012614.2 (MANE Select); coding-DNA positions 133 to 141, 9 bases deleted (GCGCAGTCC; older notation c.133_141delGCGCAGTCC).
Protein change: p.Ala45_Ser47del.
Molecular consequence: inframe deletion.
Genome position (GRCh38, 1-based): chr4:1,238,204-1,238,212, GGACTGCGC deleted on the plus strand (GCGCAGTCC on the coding strand, the reverse complement: CTBP1 is on the minus strand); deleting any 9 consecutive bases within chr4:1,238,204-1,238,213 gives the same sequence; the c. name uses the placement nearest the transcript's 3' end. VCF-style (leftmost placement, unchanged base first): chr4-1238203-TGGACTGCGC-T. GRCh37 (hg19) VCF-style: chr4-1231991-TGGACTGCGC-T.
Other names: c.166_174del, p.Ala56_Ser58del (NM_001328.3, NM_001377186.1); c.133_141del, p.Ala45_Ser47del (NM_001377187.1, NM_001377188.1, NM_001377189.1 and 4 more transcripts).
Identifiers: ClinVar variation 1311392 (VCV001311392.2), dbSNP rs2108786080, ClinGen allele CA2573052294.